The following is an entry in ClinVar:

NM_001042492.3(NF1):c.2113G>C (p.Val705Leu)

Gene: NF1 (neurofibromin 1; plus strand). Cytogenetic location: 17q11.2.
Variant type: single nucleotide variant.
Coding change: c.2113G>C on transcript NM_001042492.3 (MANE Select); coding-DNA position 2113, G replaced by C.
Protein change: p.Val705Leu; replaces valine 705 with leucine.
Molecular consequence: missense variant.
Genome position (GRCh38, 1-based): chr17:31,226,546, G>C. VCF-style: chr17-31226546-G-C. GRCh37 (hg19) VCF-style: chr17-29553564-G-C.
Other names: c.2113G>C, p.Val705Leu (NM_000267.4); short protein forms V705L.
Identifiers: ClinVar variation 4026780 (VCV004026780.1).

ClinVar aggregate classification (germline): Uncertain significance (1 of 4 stars; one submission).

Conditions:
Cardiovascular phenotype. Identifiers: MedGen CN230736.
Hereditary cancer-predisposing syndrome. Also called: Tumor predisposition; Hereditary neoplastic syndrome; Neoplastic Syndromes, Hereditary; Hereditary Cancer Syndrome. Identifiers: Orphanet 140162, MedGen C0027672, MeSH D009386, MONDO:0015356.

Submission:

Ambry Genetics
Classification: Uncertain significance for Cardiovascular phenotype; Hereditary cancer-predisposing syndrome. Last evaluated: 2025-05-05. Review status: criteria provided, single submitter. Criteria: Ambry Variant Classification Scheme 2023. Collection method: clinical testing. Allele origin: germline.
Comment: The p.V705L variant (also known as c.2113G>C), located in coding exon 18 of the NF1 gene, results from a G to C substitution at nucleotide position 2113. The valine at codon 705 is replaced by leucine, an amino acid with highly similar properties. This amino acid position is conserved. In addition, the in silico prediction for this alteration is inconclusive. Based on the available evidence, the clinical significance of this variant remains unclear.